The following is an entry in ClinVar:

NM_012062.5(DNM1L):c.797A>G (p.Tyr266Cys)

Gene: DNM1L (dynamin 1 like; plus strand). Cytogenetic location: 12p11.21.
Variant type: single nucleotide variant.
Coding change: c.797A>G on transcript NM_012062.5 (MANE Select); coding-DNA position 797, A replaced by G.
Protein change: p.Tyr266Cys; replaces tyrosine 266 with cysteine.
Molecular consequence: missense variant.
Genome position (GRCh38, 1-based): chr12:32,720,720, A>G. VCF-style: chr12-32720720-A-G. GRCh37 (hg19) VCF-style: chr12-32873654-A-G.
Other names: c.797A>G, p.Tyr266Cys (NM_001278463.2, NM_005690.5, NM_012063.4); c.836A>G, p.Tyr279Cys (NM_001278464.2, NM_001278465.2, NM_001330380.2); c.188A>G, p.Tyr63Cys (NM_001278466.2); short protein forms Y279C, Y266C, Y63C.
Identifiers: ClinVar variation 2849835 (VCV002849835.3), dbSNP rs2541041109, ClinGen allele CA384369267.

ClinVar aggregate classification (germline): Uncertain significance (1 of 4 stars; one submission).

Allele frequency attached by ClinVar (database versions not stated): gnomAD exomes below 0.00001.
gnomAD v4.1: 2 of 1,613,968 alleles (0.00012%); highest among the groups gnomAD compares: Non-Finnish European, 0.00017%; no homozygotes.

Submission:

Labcorp Genetics (formerly Invitae), Labcorp
Classification: Uncertain significance. Last evaluated: 2023-04-10. Review status: criteria provided, single submitter. Criteria: Invitae Variant Classification Sherloc (09022015). Collection method: clinical testing. Allele origin: germline.
Comment: This variant is not present in population databases (gnomAD no frequency). This sequence change replaces tyrosine, which is neutral and polar, with cysteine, which is neutral and slightly polar, at codon 266 of the DNM1L protein (p.Tyr266Cys). This variant has not been reported in the literature in individuals affected with DNM1L-related conditions. In summary, the available evidence is currently insufficient to determine the role of this variant in disease. Therefore, it has been classified as a Variant of Uncertain Significance. An algorithm developed to predict the effect of missense changes on protein structure and function (PolyPhen-2) suggests that this variant is likely to be tolerated.